The following is an entry in ClinVar:

NM_000059.4(BRCA2):c.45dup (p.Lys16Ter)

Gene: BRCA2 (BRCA2 DNA repair associated; plus strand). Cytogenetic location: 13q13.1.
Variant type: Duplication.
Coding change: c.45dup on transcript NM_000059.4 (MANE Select); coding-DNA position 45, one base duplicated (T; older notation c.45dupT).
Protein change: p.Lys16Ter; replaces lysine 16 with a stop codon.
Molecular consequence: nonsense.
Genome position (GRCh38, 1-based): chr13:32,316,505, T duplicated; the last of 5 consecutive T bases (chr13:32,316,501-32,316,505); duplicating any one gives the same sequence. VCF-style (leftmost placement, unchanged base first): chr13-32316500-A-AT. GRCh37 (hg19) VCF-style: chr13-32890637-A-AT.
Other names: short protein forms K16*.
Identifiers: ClinVar variation 1223119 (VCV001223119.10), dbSNP rs2138698372, ClinGen allele CA2499222014.
Genomic context (GRCh38, chr13:32,316,500, plus strand): 5'-GGAGGAATATCGTAGGTAAAAATGCCTATTGGATCCAAAGAGAGGCCAACATTTTTTGAA[A>AT]TTTTTAAGACACGCTGCAACAAAGCAGGTATTGACAAATTTTATATAACTTTATAAATTA-3'

ClinVar aggregate classification (germline): Pathogenic. Review status: criteria provided, multiple submitters, no conflicts (2 of 4 stars). 2 submissions from 2 submitters: Pathogenic (2). Last evaluated 2021-11-18.

Conditions:
Hereditary breast ovarian cancer syndrome. Also called: Hereditary breast and ovarian cancer; Hereditary breast and ovarian cancer syndrome (HBOC); Hereditary breast and/or ovarian cancer syndrome; BRCA1- and BRCA2-Associated Hereditary Breast and Ovarian Cancer; Hereditary breast and ovarian cancer syndrome; Breast and ovarian cancer. Identifiers: Orphanet 145, MedGen C0677776, MeSH D061325, MONDO:0003582. Disease mechanism: loss of function.

Submissions (2):

GeneDx
Classification: Pathogenic. Last evaluated: 2021-11-18. Review status: criteria provided, single submitter. Criteria: GeneDx Variant Classification Process June 2021. Collection method: clinical testing. Allele origin: germline. Affected: yes.
Comment: Nonsense variant predicted to result in protein truncation or nonsense mediated decay in a gene for which loss-of-function is a known mechanism of disease; Not observed in large population cohorts (Lek 2016); Truncating variants in this gene are considered pathogenic by a well-established clinical consortium and/or database; Has not been previously published as pathogenic or benign to our knowledge; Also known as 273dupT

Labcorp Genetics (formerly Invitae), Labcorp
Classification: Pathogenic for Hereditary breast ovarian cancer syndrome. Last evaluated: 2021-11-01. Review status: criteria provided, single submitter. Criteria: Invitae Variant Classification Sherloc (09022015). Collection method: clinical testing. Allele origin: germline.
Comment: For these reasons, this variant has been classified as Pathogenic. This variant has not been reported in the literature in individuals affected with BRCA2-related conditions. This variant is not present in population databases (gnomAD no frequency). This sequence change creates a premature translational stop signal (p.Lys16*) in the BRCA2 gene. It is expected to result in an absent or disrupted protein product. Loss-of-function variants in BRCA2 are known to be pathogenic (PMID: 20104584).

Literature cited by the submitters: PubMed 20104584 (cited by Labcorp Genetics (formerly Invitae), Labcorp).